The following is an entry in ClinVar:

ClinVar aggregate classification (germline): Uncertain significance. Review status: criteria provided, multiple submitters, no conflicts (2 of 4 stars). 2 submissions from 2 submitters: Uncertain significance (2). Last evaluated 2025-07-07.

Allele frequency attached by ClinVar (database versions not stated): ExAC 0.00001; gnomAD 0.00001; gnomAD exomes 0.00001.
gnomAD v4.1: 12 of 1,614,012 alleles (0.00074%); highest among the groups gnomAD compares: African/African-American, 0.0027%; no homozygotes.

Submissions (2):

Labcorp Genetics (formerly Invitae), Labcorp
Classification: Uncertain significance. Last evaluated: 2025-07-07. Review status: criteria provided, single submitter. Criteria: Invitae Variant Classification Sherloc (09022015). Collection method: clinical testing. Allele origin: germline.
Comment: This sequence change replaces glycine, which is neutral and non-polar, with serine, which is neutral and polar, at codon 242 of the TGFB1 protein (p.Gly242Ser). This variant is present in population databases (rs745664232, gnomAD 0.006%). This variant has not been reported in the literature in individuals affected with TGFB1-related conditions. ClinVar contains an entry for this variant (Variation ID: 2072152). An algorithm developed to predict the effect of missense changes on protein structure and function outputs the following: PolyPhen-2: "Benign". The serine amino acid residue is found in multiple mammalian species, which suggests that this missense change does not adversely affect protein function. In summary, the available evidence is currently insufficient to determine the role of this variant in disease. Therefore, it has been classified as a Variant of Uncertain Significance.

CeGaT Center for Human Genetics Tuebingen
Classification: Uncertain significance. Last evaluated: 2024-08-01. Review status: criteria provided, single submitter. Criteria: CeGaT Center For Human Genetics Tuebingen Variant Classification Criteria Version 2. Collection method: clinical testing. Allele origin: germline. Affected: yes. Observed: 1 variant allele.
Comment: TGFB1: PM2, BP4

NM_000660.7(TGFB1):c.724G>A (p.Gly242Ser)

Gene: TGFB1 (transforming growth factor beta 1; minus strand). Cytogenetic location: 19q13.2.
Variant type: single nucleotide variant.
Coding change: c.724G>A on transcript NM_000660.7 (MANE Select); coding-DNA position 724, G replaced by A.
Protein change: p.Gly242Ser; replaces glycine 242 with serine.
Molecular consequence: missense variant.
Genome position (GRCh38, 1-based): chr19:41,342,019, C>T on the plus strand (G>A on the coding strand, the complement: TGFB1 is on the minus strand). VCF-style: chr19-41342019-C-T. GRCh37 (hg19) VCF-style: chr19-41847924-C-T.
Other names: short protein forms G242S.
Identifiers: ClinVar variation 2072152 (VCV002072152.20), dbSNP rs745664232, ClinGen allele CA9459998.